The following is an entry in ClinVar:

NM_014053.4(FLVCR1):c.*1151A>G

Gene: FLVCR1 (FLVCR choline and heme transporter 1; plus strand). Cytogenetic location: 1q32.3.
Variant type: single nucleotide variant.
Coding change: c.*1151A>G on transcript NM_014053.4 (MANE Select); 1151 bases downstream of the stop codon, A replaced by G.
Molecular consequence: 3 prime UTR variant.
Genome position (GRCh38, 1-based): chr1:212,896,441, A>G. VCF-style: chr1-212896441-A-G. GRCh37 (hg19) VCF-style: chr1-213069783-A-G.
Identifiers: ClinVar variation 295352 (VCV000295352.6), dbSNP rs6682947, ClinGen allele CA10609726.
Genomic context (GRCh38, chr1:212,896,441, plus strand): 5'-GCTCTATCAGTGTGCCGGGAGAGTGGATTCTTTTCTTCACTGCAGAGTCATCACACTGTT[A>G]GAATAGTCTGCTCTTTTACATGCTCAGGTAGGGAAAATAGGACCAAATATATTTCCACAG-3'

ClinVar aggregate classification (germline): Benign. Review status: criteria provided, multiple submitters, no conflicts (2 of 4 stars). 2 submissions from 2 submitters: Benign (2). Last evaluated 2018-01-12.

Conditions:
Posterior column ataxia-retinitis pigmentosa syndrome (RETSNS). Also called: RETINOPATHY-SENSORY NEUROPATHY SYNDROME. Identifiers: Orphanet 88628, MedGen C1836916, MONDO:0012177, OMIM 609033.

Allele frequency attached by ClinVar (database versions not stated): gnomAD 0.60512 and 0.61657; 1000 Genomes Project 0.66374; gnomAD exomes 0.37500; TOPMed 0.60985; 1000 Genomes Project 30x 0.65506.
gnomAD v4.1: 93,905 of 151,926 alleles (62%); highest among the groups gnomAD compares: East Asian, 91%; 30,871 homozygotes.

Submissions (2):

Illumina Laboratory Services, Illumina
Classification: Benign for Posterior column ataxia-retinitis pigmentosa syndrome. Last evaluated: 2018-01-12. Review status: criteria provided, single submitter. Criteria: ICSL Variant Classification Criteria 13 December 2019. Collection method: clinical testing. Allele origin: germline.
Comment: This variant was observed in the ICSL laboratory as part of a predisposition screen in an ostensibly healthy population. It had not been previously curated by ICSL or reported in the Human Gene Mutation Database (HGMD: prior to June 1st, 2018), and was therefore a candidate for classification through an automated scoring system. Utilizing variant allele frequency, disease prevalence and penetrance estimates, and inheritance mode, an automated score was calculated to assess if this variant is too frequent to cause the disease. Based on the score and internal cut-off values, a variant classified as benign is not then subjected to further curation. The score for this variant resulted in a classification of benign for this disease.

Breakthrough Genomics
Classification: Benign. Review status: criteria provided, single submitter. Criteria: ACMG Guidelines, 2015. Collection method: not provided. Allele origin: germline. Inheritance: Autosomal recessive inheritance. Affected: yes.